The following is an entry in ClinVar:

NM_007294.4(BRCA1):c.*3G>A

Gene: BRCA1 (BRCA1 DNA repair associated; minus strand). Cytogenetic location: 17q21.31.
Variant type: single nucleotide variant.
Coding change: c.*3G>A on transcript NM_007294.4 (MANE Select); 3 bases downstream of the stop codon, G replaced by A.
Molecular consequence: 3 prime UTR variant.
Genome position (GRCh38, 1-based): chr17:43,045,675, C>T on the plus strand (G>A on the coding strand, the complement: BRCA1 is on the minus strand). VCF-style: chr17-43045675-C-T. GRCh37 (hg19) VCF-style: chr17-41197692-C-T.
Other names: c.*3G>A (NM_001407571.1, NM_001407581.1, NM_001407582.1 and 347 more transcripts); c.*109G>A (NM_001407854.1, NM_001407858.1, NM_001407859.1 and 14 more transcripts).
Identifiers: ClinVar variation 3336170 (VCV003336170.1).

ClinVar aggregate classification (germline): Uncertain significance (1 of 4 stars; one submission).

Submission:

Women's Health and Genetics/Laboratory Corporation of America, LabCorp
Classification: Uncertain significance. Last evaluated: 2024-05-06. Review status: criteria provided, single submitter. Criteria: LabCorp Variant Classification Summary - May 2015. Collection method: clinical testing. Allele origin: germline.
Comment: Variant summary: BRCA1 c.*3G>A is located in the untranslated mRNA region downstream of the termination codon. The variant was absent in 250934 control chromosomes. The available data on variant occurrences in the general population are insufficient to allow any conclusion about variant significance. To our knowledge, no occurrence of c.*3G>A in individuals affected with Hereditary Breast And Ovarian Cancer Syndrome and no experimental evidence demonstrating its impact on protein function have been reported. No submitters have cited clinical-significance assessments for this variant to ClinVar. Based on the evidence outlined above, the variant was classified as uncertain significance.